The following is an entry in ClinVar:

ClinVar aggregate classification (germline): Benign/Likely benign. Review status: criteria provided, multiple submitters, no conflicts (2 of 4 stars). 4 submissions from 4 submitters: Benign (2); Likely benign (1). 1 of the submissions does not count toward it. Last evaluated 2026-02-04.

Allele frequency attached by ClinVar (database versions not stated): gnomAD exomes 0.00060 and 0.00194; ExAC 0.00213; 1000 Genomes Project 30x 0.00531; 1000 Genomes Project 0.00559; gnomAD 0.00584 and 0.00629; TOPMed 0.00687; ESP Exome Variant Server 0.00769.
gnomAD v4.1: 1,799 of 1,602,622 alleles (0.11%); highest among the groups gnomAD compares: African/African-American, 1.9%; 17 homozygotes.

Submissions (4):

Labcorp Genetics (formerly Invitae), Labcorp
Classification: Benign. Last evaluated: 2026-02-04. Review status: criteria provided, single submitter. Criteria: Invitae Variant Classification Sherloc (09022015). Collection method: clinical testing. Allele origin: germline.

Ambry Genetics
Classification: Likely benign. Last evaluated: 2024-10-02. Review status: criteria provided, single submitter. Criteria: Ambry Variant Classification Scheme 2023. Collection method: clinical testing. Allele origin: germline.

Breakthrough Genomics
Classification: Benign. Review status: criteria provided, single submitter. Criteria: ACMG Guidelines, 2015. Collection method: not provided. Allele origin: germline. Inheritance: Unknown mechanism. Affected: yes.

Department of Pathology and Laboratory Medicine, Sinai Health System
Classification: Likely benign. Review status: no assertion criteria provided. Collection method: clinical testing. Allele origin: unknown. Affected: yes. Study: The Canadian Open Genetics Repository (COGR). Not counted in ClinVar's aggregate classification.
Comment: The GEN1 p.E884D variant was not identified in the literature nor was it identified in ClinVar. The variant was identified in dbSNP (ID: rs141534568) and in control databases in 637 of 269910 chromosomes (5 homozygous) at a frequency of 0.002360, and was observed at the highest frequency in the African population in 509 of 24520 chromosomes (freq: 0.02076) (5 homozygous) (Genome Aggregation Database March 6, 2019, v2.1.1). The p.E884 residue is not conserved in mammals and computational analyses (MUT Assesor, PolyPhen-2, SIFT, MutationTaster, Revel, FATHMM, MetaLR, DANN) do not suggest a high likelihood of impact to the protein. The variant occurs outside of the splicing consensus sequence and in silico or computational prediction software programs (Splice AI exome) do not predict a difference in splicing. In summary, based on the above information the clinical significance of this variant cannot be determined with certainty at this time although we would lean towards a more benign role for this variant. This variant is classified as likely benign.

NM_001130009.3(GEN1):c.2652A>C (p.Glu884Asp)

Gene: GEN1 (GEN1 structure-specific endonuclease; plus strand). Cytogenetic location: 2p24.2.
Variant type: single nucleotide variant.
Coding change: c.2652A>C on transcript NM_001130009.3 (MANE Select); coding-DNA position 2652, A replaced by C.
Protein change: p.Glu884Asp; replaces glutamic acid 884 with aspartic acid.
Molecular consequence: missense variant.
Genome position (GRCh38, 1-based): chr2:17,781,864, A>C. VCF-style: chr2-17781864-A-C. GRCh37 (hg19) VCF-style: chr2-17963131-A-C.
Other names: c.2652A>C, p.Glu884Asp (NM_182625.5); c.2652A>C (NM_001130009.1); short protein forms E884D.
Identifiers: ClinVar variation 1049346 (VCV001049346.12), dbSNP rs141534568, ClinGen allele CA1541000.